The following is an entry in ClinVar:

NM_000138.5(FBN1):c.3478G>A (p.Glu1160Lys)

Gene: FBN1 (fibrillin 1; minus strand). Cytogenetic location: 15q21.1.
Variant type: single nucleotide variant.
Coding change: c.3478G>A on transcript NM_000138.5 (MANE Select); coding-DNA position 3478, G replaced by A.
Protein change: p.Glu1160Lys; replaces glutamic acid 1160 with lysine.
Molecular consequence: missense variant.
Genome position (GRCh38, 1-based): chr15:48,487,186, C>T on the plus strand (G>A on the coding strand, the complement: FBN1 is on the minus strand). VCF-style: chr15-48487186-C-T. GRCh37 (hg19) VCF-style: chr15-48779383-C-T.
Other names: short protein forms E1160K.
Identifiers: ClinVar variation 919653 (VCV000919653.6), dbSNP rs193922199, ClinGen allele CA392325974.
Genomic context (GRCh38, chr15:48,487,186, plus strand): 5'-ACTGATACTTCCCTATGAGGTTCACGCAACGGCCATTGGGGCACAGGTGTGCACTCAGCT[C>T]ACATTCATTGATGTCTGTCGGGAAAATAAGAAGAACAAACACCCAAACATAAGCTTCCAA-3'
Protein context (NP_000129.3, residues 1150-1170): ISACIDINEC[Glu1160Lys]LSAHLCPNGR

ClinVar aggregate classification (germline): Uncertain significance. Review status: criteria provided, multiple submitters, no conflicts (2 of 4 stars). 2 submissions from 2 submitters: Uncertain significance (2). Last evaluated 2025-12-08.

Conditions:
Familial thoracic aortic aneurysm and aortic dissection (TAAD). Also called: Thoracic aortic aneurysms and dissections. Identifiers: Orphanet 91387, MedGen C4707243, MONDO:0019625.
Marfan syndrome (MFS). Also called: Marfan syndrome, classic; Marfan syndrome type 1; Marfan's syndrome; FBN1-Related Marfan Syndrome; MARFAN SYNDROME, TYPE I. Identifiers: Orphanet 284963, Orphanet 558, MedGen C0024796, MONDO:0007947, OMIM 154700.

Submissions (2):

Labcorp Genetics (formerly Invitae), Labcorp
Classification: Uncertain significance for Marfan syndrome; Familial thoracic aortic aneurysm and aortic dissection. Last evaluated: 2025-12-08. Review status: criteria provided, single submitter. Criteria: Invitae Variant Classification Sherloc (09022015). Collection method: clinical testing. Allele origin: germline.
Comment: This sequence change replaces glutamic acid, which is acidic and polar, with lysine, which is basic and polar, at codon 1160 of the FBN1 protein (p.Glu1160Lys). This variant is not present in population databases (gnomAD no frequency). This variant has not been reported in the literature in individuals affected with FBN1-related conditions. ClinVar contains an entry for this variant (Variation ID: 919653). Invitae Evidence Modeling of protein sequence and biophysical properties (such as structural, functional, and spatial information, amino acid conservation, physicochemical variation, residue mobility, and thermodynamic stability) indicates that this missense variant is not expected to disrupt FBN1 protein function with a negative predictive value of 95%. In summary, the available evidence is currently insufficient to determine the role of this variant in disease. Therefore, it has been classified as a Variant of Uncertain Significance.

Color Diagnostics, LLC DBA Color Health
Classification: Uncertain significance for Familial thoracic aortic aneurysm and aortic dissection. Last evaluated: 2024-03-07. Review status: criteria provided, single submitter. Criteria: ACMG Guidelines, 2015. Collection method: clinical testing. Allele origin: germline.
Comment: This missense variant replaces glutamic acid with lysine at codon 1160 of the FBN1 protein. Computational prediction suggests that this variant may not impact protein structure and function (internally defined REVEL score threshold <= 0.5, PMID: 27666373). To our knowledge, functional studies have not been reported for this variant. This variant has not been reported in individuals affected with FBN1-related disorders in the literature. This variant has not been identified in the general population by the Genome Aggregation Database (gnomAD). The available evidence is insufficient to determine the role of this variant in disease conclusively. Therefore, this variant is classified as a Variant of Uncertain Significance.